The following is an entry in ClinVar:

NM_000719.7(CACNA1C):c.2663+79C>T

Gene: CACNA1C (calcium voltage-gated channel subunit alpha1 C; plus strand). Cytogenetic location: 12p13.33.
Variant type: single nucleotide variant.
Coding change: c.2663+79C>T on transcript NM_000719.7 (MANE Select); 79 bases into the intron after coding-DNA position 2663, C replaced by T.
Molecular consequence: intron variant.
Genome position (GRCh38, 1-based): chr12:2,593,424, C>T. VCF-style: chr12-2593424-C-T. GRCh37 (hg19) VCF-style: chr12-2702590-C-T.
Other names: c.2663+79C>T (NM_001167624.3, NM_001167623.2, NM_001167625.2 and 18 more transcripts); c.2654+79C>T (NM_001129844.2).
Identifiers: ClinVar variation 670046 (VCV000670046.6), dbSNP rs77802779, ClinGen allele CA231594508.

ClinVar aggregate classification (germline): Benign/Likely benign. Review status: criteria provided, multiple submitters, no conflicts (2 of 4 stars). 3 submissions from 3 submitters: Benign (1); Likely benign (2). Last evaluated 2019-12-31.

Conditions:
Long QT syndrome (LQTS). Identifiers: MedGen C0023976, MeSH D008133, MONDO:0002442. Disease mechanism: loss of function. Inheritance: Various modes of inheritance.

Allele frequency attached by ClinVar (database versions not stated): 1000 Genomes Project 0.00919; 1000 Genomes Project 30x 0.00937; TOPMed 0.01875; gnomAD 0.02138 and 0.02186.
gnomAD v4.1: 44,488 of 1,481,872 alleles (3%); highest among the groups gnomAD compares: Non-Finnish European, 3.6%; 828 homozygotes.

Submissions (3):

Labcorp Genetics (formerly Invitae), Labcorp
Classification: Benign for Long QT syndrome. Last evaluated: 2019-12-31. Review status: criteria provided, single submitter. Criteria: Invitae Variant Classification Sherloc (09022015). Collection method: clinical testing. Allele origin: germline.

GeneDx
Classification: Likely benign. Last evaluated: 2018-06-14. Review status: criteria provided, single submitter. Criteria: GeneDx Variant Classification (06012015). Collection method: clinical testing. Allele origin: germline. Affected: yes.
Comment: This variant is considered likely benign or benign based on one or more of the following criteria: it is a conservative change, it occurs at a poorly conserved position in the protein, it is predicted to be benign by multiple in silico algorithms, and/or has population frequency not consistent with disease.

Breakthrough Genomics
Classification: Likely benign. Review status: criteria provided, single submitter. Criteria: ACMG Guidelines, 2015. Collection method: not provided. Allele origin: germline. Inheritance: Autosomal dominant inheritance. Affected: yes.